The following is an entry in ClinVar:

ClinVar aggregate classification (germline): Pathogenic/Likely pathogenic. Review status: criteria provided, multiple submitters, no conflicts (2 of 4 stars). 4 submissions from 4 submitters: Pathogenic (2); Likely pathogenic (2). Last evaluated 2026-02-16.

Conditions:
Mitochondrial complex I deficiency, nuclear type 4. Also called: Mitochondrial complex 1 deficiency, nuclear type 4. Identifiers: MedGen C4748753, MONDO:0032609, OMIM 618225.

Allele frequency attached by ClinVar (database versions not stated): gnomAD exomes 0.00001; TOPMed 0.00002; gnomAD 0.00001.
gnomAD v4.1: 21 of 1,614,044 alleles (0.0013%); highest among the groups gnomAD compares: East Asian, 0.0022%; no homozygotes.

Submissions (4):

Victorian Clinical Genetics Services, Murdoch Childrens Research Institute
Classification: Pathogenic for Mitochondrial complex I deficiency, nuclear type 4. Last evaluated: 2026-02-16. Review status: criteria provided, single submitter. Criteria: ACMG Guidelines, 2015. Collection method: clinical testing. Allele origin: germline. Affected: yes.
Comment: This variant is classified as Pathogenic. Evidence in support of pathogenic classification: Variant is predicted to cause nonsense-mediated decay (NMD) and loss of protein (premature termination codon is located at least 54 nucleotides upstream of the final exon-exon junction); Variant is present in gnomAD <0.01 for a recessive condition (v4: 21 heterozygote(s), 0 homozygote(s)); This variant has moderate previous evidence of pathogenicity in unrelated individuals. This variant has been classified as likely pathogenic/pathogenic by clinical laboratories in ClinVar; Other NMD-predicted variant(s) comparable to the one identified in this case have very strong previous evidence for pathogenicity (DECIPHER). Additional information: This variant is heterozygous; This gene is associated with autosomal recessive disease; Loss of function is a known mechanism of disease in this gene and is associated with mitochondrial complex I deficiency, nuclear type 4 (MIM#618225); Heterozygous variant detected in trans with a LIKELY PATHOGENIC heterozygous variant, NM_007103.4(NDUFV1):c.43C>T; p.(Arg15Trp), in a recessive disease.

Fulgent Genetics
Classification: Likely pathogenic for Mitochondrial complex I deficiency, nuclear type 4. Last evaluated: 2024-03-08. Review status: criteria provided, single submitter. Criteria: ACMG Guidelines, 2015. Collection method: clinical testing. Allele origin: germline.

Labcorp Genetics (formerly Invitae), Labcorp
Classification: Pathogenic. Last evaluated: 2024-01-02. Review status: criteria provided, single submitter. Criteria: Invitae Variant Classification Sherloc (09022015). Collection method: clinical testing. Allele origin: germline.
Comment: This sequence change creates a premature translational stop signal (p.Arg174*) in the NDUFV1 gene. It is expected to result in an absent or disrupted protein product. Loss-of-function variants in NDUFV1 are known to be pathogenic (PMID: 10080174, 11349233). This variant is present in population databases (rs200865872, gnomAD 0.008%). This variant has not been reported in the literature in individuals affected with NDUFV1-related conditions. ClinVar contains an entry for this variant (Variation ID: 1979074). For these reasons, this variant has been classified as Pathogenic.

Neuberg Centre For Genomic Medicine, NCGM
Classification: Likely pathogenic for Mitochondrial complex I deficiency, nuclear type 4. Last evaluated: 2023-03-01. Review status: criteria provided, single submitter. Criteria: ACMG Guidelines, 2015. Collection method: clinical testing. Allele origin: germline. Inheritance: Autosomal recessive inheritance. Affected: yes.
Comment: The stop gained c.520C>T(p.Arg174Ter) variant in NDUFV1 gene has not been reported previously as a pathogenic variant, nor a benign variant, to our knowledge. The c.520C>T variant has been reported with allele frequency of 0.001% in gnomAD Exomes and is novel (not in any individuals) in 1000 Genomes. This variant has been reported to the ClinVar database as Pathogenic. The nucleotide change c.520C>T in NDUFV1 is predicted as conserved by GERP++ and PhyloP across 100 vertebrates. This sequence change creates a premature translational stop signal (p.Arg174Ter) in the NDUFV1 gene. This variant is predicted to cause loss of normal protein function through protein truncation. Loss of function variants in NDUFV1 gene have been previously reported to be pathogenic (Bénit P, et. al., 2001). However, additional functional studies will be required to prove the pathogenicity of this variant. For these reasons, this variant has been classified as Likely Pathogenic.

Literature cited by the submitters: PubMed 10080174 (cited by Labcorp Genetics (formerly Invitae), Labcorp); PubMed 11349233 (cited by Labcorp Genetics (formerly Invitae), Labcorp).

NM_007103.4(NDUFV1):c.520C>T (p.Arg174Ter)

Gene: NDUFV1 (NADH:ubiquinone oxidoreductase core subunit V1; plus strand). Cytogenetic location: 11q13.2.
Variant type: single nucleotide variant.
Coding change: c.520C>T on transcript NM_007103.4 (MANE Select); coding-DNA position 520, C replaced by T.
Protein change: p.Arg174Ter; replaces arginine 174 with a stop codon.
Molecular consequence: nonsense.
Genome position (GRCh38, 1-based): chr11:67,610,390, C>T. VCF-style: chr11-67610390-C-T. GRCh37 (hg19) VCF-style: chr11-67377861-C-T.
Other names: c.493C>T, p.Arg165Ter (NM_001166102.2); short protein forms R174*, R165*.
Identifiers: ClinVar variation 1979074 (VCV001979074.6), dbSNP rs200865872, ClinGen allele CA224180083.